The following is an entry in ClinVar:

NM_014915.3(ANKRD26):c.2044G>C (p.Asp682His)

Gene: ANKRD26 (ankyrin repeat domain 26; minus strand). Cytogenetic location: 10p12.1.
Variant type: single nucleotide variant.
Coding change: c.2044G>C on transcript NM_014915.3 (MANE Select); coding-DNA position 2044, G replaced by C.
Protein change: p.Asp682His; replaces aspartic acid 682 with histidine.
Molecular consequence: missense variant.
Genome position (GRCh38, 1-based): chr10:27,043,543, C>G on the plus strand (G>C on the coding strand, the complement: ANKRD26 is on the minus strand). VCF-style: chr10-27043543-C-G. GRCh37 (hg19) VCF-style: chr10-27332472-C-G.
Other names: c.2041G>C, p.Asp681His (NM_001256053.2); short protein forms D682H, D681H.
Identifiers: ClinVar variation 4845121 (VCV004845121.1).

ClinVar aggregate classification (germline): Uncertain significance (1 of 4 stars; one submission).

Conditions:
Inborn genetic diseases. Identifiers: MedGen C0950123, MeSH D030342.

gnomAD v4.1: 4 of 1,613,810 alleles (0.00025%); highest among the groups gnomAD compares: South Asian, 0.0044%; no homozygotes.

Submission:

Ambry Genetics
Classification: Uncertain significance for Inborn genetic diseases. Last evaluated: 2026-01-22. Review status: criteria provided, single submitter. Criteria: Ambry Variant Classification Scheme 2023. Collection method: clinical testing. Allele origin: germline.
Comment: The p.D682H variant (also known as c.2044G>C), located in coding exon 20 of the ANKRD26 gene, results from a G to C substitution at nucleotide position 2044. The aspartic acid at codon 682 is replaced by histidine, an amino acid with similar properties. This amino acid position is conserved. In addition, this alteration is predicted to be tolerated by in silico analysis. Based on the available evidence, the clinical significance of this variant remains unclear.